The following is an entry in ClinVar:

ClinVar aggregate classification (germline): Likely benign (1 of 4 stars; one submission).

Allele frequency attached by ClinVar (database versions not stated): gnomAD 0.00001; gnomAD exomes 0.00001; ExAC 0.00003.
gnomAD v4.1: 20 of 1,614,012 alleles (0.0012%); highest among the groups gnomAD compares: Middle Eastern, 0.016%; no homozygotes.

Submission:

CeGaT Center for Human Genetics Tuebingen
Classification: Likely benign. Last evaluated: 2023-04-01. Review status: criteria provided, single submitter. Criteria: CeGaT Center For Human Genetics Tuebingen Variant Classification Criteria Version 2. Collection method: clinical testing. Allele origin: germline. Affected: yes. Observed: 1 variant allele.
Comment: VPS13D: BP4, BP7

NM_015378.4(VPS13D):c.2838C>T (p.Arg946=)

Gene: VPS13D (vacuolar protein sorting 13 homolog D; plus strand). Cytogenetic location: 1p36.22.
Variant type: single nucleotide variant.
Coding change: c.2838C>T on transcript NM_015378.4 (MANE Select); coding-DNA position 2838, C replaced by T.
Protein change: p.Arg946=; no amino-acid change (arginine 946 retained).
Molecular consequence: synonymous variant.
Genome position (GRCh38, 1-based): chr1:12,276,426, C>T. VCF-style: chr1-12276426-C-T. GRCh37 (hg19) VCF-style: chr1-12336483-C-T.
Other names: c.2838C>T, p.Arg946= (NM_018156.4).
Identifiers: ClinVar variation 2638248 (VCV002638248.24), dbSNP rs755308689, ClinGen allele CA601876.